The following is an entry in ClinVar:

ClinVar aggregate classification (germline): Uncertain significance (1 of 4 stars; one submission).

Conditions:
Hereditary cancer-predisposing syndrome. Also called: Neoplastic Syndromes, Hereditary; Tumor predisposition; Hereditary neoplastic syndrome; Hereditary Cancer Syndrome. Identifiers: Orphanet 140162, MedGen C0027672, MeSH D009386, MONDO:0015356.

gnomAD v4.1: 2 of 1,614,122 alleles (0.00012%); highest among the groups gnomAD compares: Non-Finnish European, 0.00017%; no homozygotes.

Submission:

Ambry Genetics
Classification: Uncertain significance for Hereditary cancer-predisposing syndrome. Last evaluated: 2026-07-06. Review status: criteria provided, single submitter. Criteria: Ambry Variant Classification Scheme 2023. Collection method: clinical testing. Allele origin: germline.
Comment: The p.V169G variant (also known as c.506T>G), located in coding exon 3 of the TMEM127 gene, results from a T to G substitution at nucleotide position 506. The valine at codon 169 is replaced by glycine, an amino acid with dissimilar properties. This amino acid position is conserved. In addition, this alteration is predicted to be deleterious by in silico analysis. Based on the available evidence, the clinical significance of this variant remains unclear.

NM_017849.4(TMEM127):c.506T>G (p.Val169Gly)

Gene: TMEM127 (transmembrane protein 127; minus strand). Cytogenetic location: 2q11.2.
Variant type: single nucleotide variant.
Coding change: c.506T>G on transcript NM_017849.4 (MANE Select); coding-DNA position 506, T replaced by G.
Protein change: p.Val169Gly; replaces valine 169 with glycine.
Molecular consequence: missense variant.
Genome position (GRCh38, 1-based): chr2:96,254,019, A>C on the plus strand (T>G on the coding strand, the complement: TMEM127 is on the minus strand). VCF-style: chr2-96254019-A-C. GRCh37 (hg19) VCF-style: chr2-96919757-A-C.
Other names: c.506T>G, p.Val169Gly (NM_001193304.3); c.254T>G, p.Val85Gly (NM_001407282.1, NM_001407283.1); short protein forms V169G, V85G.
Identifiers: ClinVar variation 5030897 (VCV005030897.1).